The following is an entry in ClinVar:

NM_001130009.3(GEN1):c.2032A>G (p.Ile678Val)

Gene: GEN1 (GEN1 structure-specific endonuclease; plus strand). Cytogenetic location: 2p24.2.
Variant type: single nucleotide variant.
Coding change: c.2032A>G on transcript NM_001130009.3 (MANE Select); coding-DNA position 2032, A replaced by G.
Protein change: p.Ile678Val; replaces isoleucine 678 with valine.
Molecular consequence: missense variant.
Genome position (GRCh38, 1-based): chr2:17,781,244, A>G. VCF-style: chr2-17781244-A-G. GRCh37 (hg19) VCF-style: chr2-17962511-A-G.
Other names: c.2032A>G, p.Ile678Val (NM_182625.5); short protein forms I678V.
Identifiers: ClinVar variation 4671490 (VCV004671490.1).

ClinVar aggregate classification (germline): Uncertain significance (1 of 4 stars; one submission).

Submission:

Ambry Genetics
Classification: Uncertain significance. Last evaluated: 2025-10-30. Review status: criteria provided, single submitter. Criteria: Ambry Variant Classification Scheme 2023. Collection method: clinical testing. Allele origin: germline.
Comment: The p.I678V variant (also known as c.2032A>G), located in coding exon 13 of the GEN1 gene, results from an A to G substitution at nucleotide position 2032. The isoleucine at codon 678 is replaced by valine, an amino acid with highly similar properties. This amino acid position is conserved. In addition, this alteration is predicted to be tolerated by in silico analysis. Based on the available evidence, the clinical significance of this variant remains unclear.